The following is an entry in ClinVar:

ClinVar aggregate classification (germline): Conflicting classifications of pathogenicity. Review status: criteria provided, conflicting classifications (1 of 4 stars). 3 submissions from 3 submitters: Uncertain significance (2); Likely benign (1). Last evaluated 2026-01-26.

Conditions:
Hereditary cancer-predisposing syndrome. Also called: Tumor predisposition; Hereditary neoplastic syndrome; Hereditary Cancer Syndrome; Neoplastic Syndromes, Hereditary. Identifiers: Orphanet 140162, MedGen C0027672, MeSH D009386, MONDO:0015356.
Hereditary breast ovarian cancer syndrome. Also called: Hereditary breast and ovarian cancer; Breast and ovarian cancer; BRCA1- and BRCA2-Associated Hereditary Breast and Ovarian Cancer; Hereditary breast and ovarian cancer syndrome (HBOC); Hereditary breast and/or ovarian cancer syndrome; Hereditary breast and ovarian cancer syndrome. Identifiers: Orphanet 145, MedGen C0677776, MeSH D061325, MONDO:0003582. Disease mechanism: loss of function.

Submissions (3):

Ambry Genetics
Classification: Likely benign for Hereditary cancer-predisposing syndrome. Last evaluated: 2026-01-26. Review status: criteria provided, single submitter. Criteria: Ambry Variant Classification Scheme 2023. Collection method: clinical testing. Allele origin: germline.

Labcorp Genetics (formerly Invitae), Labcorp
Classification: Uncertain significance for Hereditary breast ovarian cancer syndrome. Last evaluated: 2024-10-12. Review status: criteria provided, single submitter. Criteria: Invitae Variant Classification Sherloc (09022015). Collection method: clinical testing. Allele origin: germline.
Comment: This sequence change replaces glutamine, which is neutral and polar, with histidine, which is basic and polar, at codon 3047 of the BRCA2 protein (p.Gln3047His). This variant is not present in population databases (gnomAD no frequency). This missense change has been observed in individual(s) with breast cancer (PMID: 37664050). ClinVar contains an entry for this variant (Variation ID: 921679). Invitae Evidence Modeling of protein sequence and biophysical properties (such as structural, functional, and spatial information, amino acid conservation, physicochemical variation, residue mobility, and thermodynamic stability) indicates that this missense variant is not expected to disrupt BRCA2 protein function with a negative predictive value of 95%. In summary, the available evidence is currently insufficient to determine the role of this variant in disease. Therefore, it has been classified as a Variant of Uncertain Significance.

Color Diagnostics, LLC DBA Color Health
Classification: Uncertain significance for Hereditary cancer-predisposing syndrome. Last evaluated: 2023-12-08. Review status: criteria provided, single submitter. Criteria: ACMG Guidelines, 2015. Collection method: clinical testing. Allele origin: germline.
Comment: This missense variant replaces glutamine with histidine at codon 3047 of the BRCA2 protein. Computational prediction suggests that this variant may not impact protein structure and function (internally defined REVEL score threshold <= 0.5, PMID: 27666373). To our knowledge, functional studies have not been reported for this variant. This variant has been reported in an individual affected with breast cancer (PMID: 37664050). This variant has not been identified in the general population by the Genome Aggregation Database (gnomAD). The available evidence is insufficient to determine the role of this variant in disease conclusively. Therefore, this variant is classified as a Variant of Uncertain Significance.

Literature cited by the submitters: PubMed 37664050 (cited by Labcorp Genetics (formerly Invitae), Labcorp and Color Diagnostics, LLC DBA Color Health).

NM_000059.4(BRCA2):c.9141G>T (p.Gln3047His)

Gene: BRCA2 (BRCA2 DNA repair associated; plus strand). Cytogenetic location: 13q13.1.
Variant type: single nucleotide variant.
Coding change: c.9141G>T on transcript NM_000059.4 (MANE Select); coding-DNA position 9141, G replaced by T.
Protein change: p.Gln3047His; replaces glutamine 3047 with histidine.
Molecular consequence: missense variant.
Genome position (GRCh38, 1-based): chr13:32,380,030, G>T. VCF-style: chr13-32380030-G-T. GRCh37 (hg19) VCF-style: chr13-32954167-G-T.
Other names: short protein forms Q3047H.
Identifiers: ClinVar variation 921679 (VCV000921679.13), dbSNP rs1358886039, ClinGen allele CA387757861.